The following is an entry in ClinVar:

ClinVar aggregate classification (germline): Pathogenic (1 of 4 stars; one submission).

Conditions:
Hereditary breast ovarian cancer syndrome. Also called: Hereditary breast and ovarian cancer; BRCA1- and BRCA2-Associated Hereditary Breast and Ovarian Cancer; Hereditary breast and ovarian cancer syndrome; Hereditary breast and ovarian cancer syndrome (HBOC); Breast and ovarian cancer; Hereditary breast and/or ovarian cancer syndrome. Identifiers: Orphanet 145, MedGen C0677776, MeSH D061325, MONDO:0003582. Disease mechanism: loss of function.

Submission:

Labcorp Genetics (formerly Invitae), Labcorp
Classification: Pathogenic for Hereditary breast ovarian cancer syndrome. Last evaluated: 2015-10-13. Review status: criteria provided, single submitter. Criteria: Invitae Variant Classification Sherloc (09022015). Collection method: clinical testing. Allele origin: germline.
Comment: This sequence change inserts a AluY element in exon 25 of the BRCA2 mRNA (c.9342_9343insAluY). This is predicted to result in disruption of BRCA2 protein and and is expected to result in a truncated protein product. While this particular variant has not been reported in the literature, truncating variants in BRCA2 are known to be pathogenic (PMID: 20104584) and insertion of AluY elements resulting in truncating pathogenic variants have been reported in individuals with breast cancer (PMID: 14985394, 17513806). For these reasons, this variant has been classified as Pathogenic.

NM_000059.3(BRCA2):c.9342_9343insAlu

Gene: BRCA2 (BRCA2 DNA repair associated; plus strand). Cytogenetic location: 13q13.1.
Variant type: Insertion.
Coding change: c.9342_9343insAlu on transcript NM_000059.3; coding-DNA positions 9342 to 9343, an insertion.
Other names: NM_000059.3:c.9342_9343insALU.
Identifiers: ClinVar variation 224945 (VCV000224945.1).